The following is an entry in ClinVar:

ClinVar aggregate classification (germline): Pathogenic (1 of 4 stars; one submission).

Conditions:
Juvenile polyposis syndrome (JPS). Identifiers: Orphanet 2929, MedGen C0345893, MONDO:0017380, OMIM 174900.

Submission:

Labcorp Genetics (formerly Invitae), Labcorp
Classification: Pathogenic for Juvenile polyposis syndrome. Last evaluated: 2024-08-04. Review status: criteria provided, single submitter. Criteria: Invitae Variant Classification Sherloc (09022015). Collection method: clinical testing. Allele origin: germline.
Comment: This sequence change creates a premature translational stop signal (p.Gln117Profs*15) in the BMPR1A gene. It is expected to result in an absent or disrupted protein product. Loss-of-function variants in BMPR1A are known to be pathogenic (PMID: 11536076, 12417513). This variant is not present in population databases (gnomAD no frequency). This variant has not been reported in the literature in individuals affected with BMPR1A-related conditions. ClinVar contains an entry for this variant (Variation ID: 2035724). For these reasons, this variant has been classified as Pathogenic.

Literature cited by the submitters: PubMed 11536076; PubMed 12417513.

NM_004329.3(BMPR1A):c.349dup (p.Gln117fs)

Gene: BMPR1A (bone morphogenetic protein receptor type 1A; plus strand). Cytogenetic location: 10q23.2.
Variant type: Duplication.
Coding change: c.349dup on transcript NM_004329.3 (MANE Select); coding-DNA position 349, one base duplicated (C; older notation c.349dupC).
Protein change: p.Gln117fs; shifts the reading frame from glutamine 117.
Molecular consequence: frameshift variant.
Genome position (GRCh38, 1-based): chr10:86,899,809, C duplicated; the last of 3 consecutive C bases (chr10:86,899,807-86,899,809); duplicating any one gives the same sequence. VCF-style (leftmost placement, unchanged base first): chr10-86899806-G-GC. GRCh37 (hg19) VCF-style: chr10-88659563-G-GC.
Other names: c.349dup, p.Gln117Profs (NM_001406559.1, NM_001406560.1, NM_001406561.1 and 22 more transcripts); c.265dup, p.Gln89Profs (NM_001406584.1, NM_001406585.1, NM_001406586.1 and 2 more transcripts); short protein forms Q117fs.
Identifiers: ClinVar variation 2035724 (VCV002035724.4), dbSNP rs2539489532, ClinGen allele CA2580082101.
Genomic context (GRCh38, chr10:86,899,806, plus strand): 5'-GTTTAAAATACCAAACCATTTCTAATTTTATCATTACTCTTCTTTTAGGATTCTCCAAAA[G>GC]CCCAGCTACGCCGGACAATAGAATGTTGTCGGACCAATTTATGTAACCAGTATTTGCAAC-3'